The following is an entry in ClinVar:

NM_000089.4(COL1A2):c.3978G>C (p.Lys1326Asn)

Gene: COL1A2 (collagen type I alpha 2 chain; plus strand). Cytogenetic location: 7q21.3.
Variant type: single nucleotide variant.
Coding change: c.3978G>C on transcript NM_000089.4 (MANE Select); coding-DNA position 3978, G replaced by C.
Protein change: p.Lys1326Asn; replaces lysine 1326 with asparagine.
Molecular consequence: missense variant.
Genome position (GRCh38, 1-based): chr7:94,430,270, G>C. VCF-style: chr7-94430270-G-C. GRCh37 (hg19) VCF-style: chr7-94059582-G-C.
Other names: short protein forms K1326N.
Identifiers: ClinVar variation 4788860 (VCV004788860.1).

ClinVar aggregate classification (germline): Uncertain significance (1 of 4 stars; one submission).

Conditions:
Ehlers-Danlos syndrome, classic type, 1 (EDSCL1). Also called: EHLERS-DANLOS SYNDROME, GRAVIS TYPE; EHLERS-DANLOS SYNDROME, SEVERE CLASSIC TYPE; Ehlers-Danlos syndrome, type 1; Ehlers-Danlos Syndrome, Classic Type, COL5A1-Related; EDS I. Identifiers: MedGen C0268335, MONDO:0019567, OMIM 130000.
Osteogenesis imperfecta type I (OI1). Also called: OI, TYPE I; OSTEOGENESIS IMPERFECTA TARDA; OSTEOGENESIS IMPERFECTA WITH BLUE SCLERAE; Osteogenesis imperfecta type 1; Lobstein's Disease; Lobstein disease. Identifiers: Orphanet 216796, Orphanet 666, MedGen C0023931, MONDO:0008146, OMIM 166200. Disease mechanism: loss of function.

gnomAD v4.1: 7 of 1,613,818 alleles (0.00043%); highest among the groups gnomAD compares: Non-Finnish European, 0.00059%; no homozygotes.

Submission:

Labcorp Genetics (formerly Invitae), Labcorp
Classification: Uncertain significance for Osteogenesis imperfecta type I; Ehlers-Danlos syndrome, classic type, 1. Last evaluated: 2025-09-21. Review status: criteria provided, single submitter. Criteria: Invitae Variant Classification Sherloc (09022015). Collection method: clinical testing. Allele origin: germline.
Comment: This sequence change replaces lysine, which is basic and polar, with asparagine, which is neutral and polar, at codon 1326 of the COL1A2 protein (p.Lys1326Asn). This variant is present in population databases (no rsID available, gnomAD 0.002%). This variant has not been reported in the literature in individuals affected with COL1A2-related conditions. Invitae Evidence Modeling of protein sequence and biophysical properties (such as structural, functional, and spatial information, amino acid conservation, physicochemical variation, residue mobility, and thermodynamic stability) has been performed for this missense variant. However, the output from this modeling did not meet the statistical confidence thresholds required to predict the impact of this variant on COL1A2 protein function. In summary, the available evidence is currently insufficient to determine the role of this variant in disease. Therefore, it has been classified as a Variant of Uncertain Significance.